The following is an entry in ClinVar:

ClinVar aggregate classification (germline): Uncertain significance (1 of 4 stars; one submission).

Submission:

Labcorp Genetics (formerly Invitae), Labcorp
Classification: Uncertain significance. Last evaluated: 2025-10-14. Review status: criteria provided, single submitter. Criteria: Invitae Variant Classification Sherloc (09022015). Collection method: clinical testing. Allele origin: germline.
Comment: This sequence change replaces glycine, which is neutral and non-polar, with aspartic acid, which is acidic and polar, at codon 99 of the MRPS14 protein (p.Gly99Asp). This variant is not present in population databases (gnomAD no frequency). This variant has not been reported in the literature in individuals affected with MRPS14-related conditions. An algorithm developed to predict the effect of missense changes on protein structure and function (PolyPhen-2) suggests that this variant is likely to be disruptive. In summary, the available evidence is currently insufficient to determine the role of this variant in disease. Therefore, it has been classified as a Variant of Uncertain Significance.

NM_022100.3(MRPS14):c.296G>A (p.Gly99Asp)

Gene: MRPS14 (mitochondrial ribosomal protein S14; minus strand). Cytogenetic location: 1q25.1.
Variant type: single nucleotide variant.
Coding change: c.296G>A on transcript NM_022100.3 (MANE Select); coding-DNA position 296, G replaced by A.
Protein change: p.Gly99Asp; replaces glycine 99 with aspartic acid.
Molecular consequence: missense variant. On other transcripts: non-coding transcript variant (1).
Genome position (GRCh38, 1-based): chr1:175,014,760, C>T on the plus strand (G>A on the coding strand, the complement: MRPS14 is on the minus strand). VCF-style: chr1-175014760-C-T. GRCh37 (hg19) VCF-style: chr1-174983896-C-T.
Other names: short protein forms G99D.
Identifiers: ClinVar variation 4780176 (VCV004780176.1).